The following is an entry in ClinVar:

NM_001098484.3(SLC4A4):c.329C>T (p.Thr110Met)

Gene: SLC4A4 (solute carrier family 4 member 4; plus strand). Cytogenetic location: 4q13.3.
Variant type: single nucleotide variant.
Coding change: c.329C>T on transcript NM_001098484.3 (MANE Select); coding-DNA position 329, C replaced by T.
Protein change: p.Thr110Met; replaces threonine 110 with methionine.
Molecular consequence: missense variant.
Genome position (GRCh38, 1-based): chr4:71,339,445, C>T. VCF-style: chr4-71339445-C-T. GRCh37 (hg19) VCF-style: chr4-72205162-C-T.
Other names: c.329C>T, p.Thr110Met (NM_001134742.2); c.197C>T, p.Thr66Met (NM_003759.4); short protein forms T110M, T66M.
Identifiers: ClinVar variation 906719 (VCV000906719.10), dbSNP rs748205618, ClinGen allele CA2954531.

ClinVar aggregate classification (germline): Uncertain significance. Review status: criteria provided, multiple submitters, no conflicts (2 of 4 stars). 4 submissions from 4 submitters: Uncertain significance (4). Last evaluated 2024-06-20.

Conditions:
Inborn genetic diseases. Identifiers: MedGen C0950123, MeSH D030342.
Autosomal recessive proximal renal tubular acidosis (PRTAO). Also called: RENAL TUBULAR ACIDOSIS, PROXIMAL, WITH OCULAR ABNORMALITIES AND IMPAIRED INTELLECTUAL DEVELOPMENT; RENAL TUBULAR ACIDOSIS, PROXIMAL, WITH OCULAR ABNORMALITIES AND MENTAL RETARDATION; RTA, PROXIMAL, AUTOSOMAL RECESSIVE; PROXIMAL RENAL TUBULAR ACIDOSIS-OCULAR ANOMALY SYNDROME. Identifiers: Orphanet 93607, MedGen C1970309, MONDO:0011422, OMIM 604278.

Allele frequency attached by ClinVar (database versions not stated): gnomAD 0.00001; gnomAD exomes 0.00001 and 0.00002; ExAC 0.00002; TOPMed 0.00002.
gnomAD v4.1: 17 of 1,613,960 alleles (0.0011%); highest among the groups gnomAD compares: Admixed American, 0.0067%; no homozygotes.

Submissions (4):

Fulgent Genetics
Classification: Uncertain significance for Autosomal recessive proximal renal tubular acidosis. Last evaluated: 2024-06-20. Review status: criteria provided, single submitter. Criteria: ACMG Guidelines, 2015. Collection method: clinical testing. Allele origin: germline.

Ambry Genetics
Classification: Uncertain significance for Inborn genetic diseases. Last evaluated: 2023-12-16. Review status: criteria provided, single submitter. Criteria: Ambry Variant Classification Scheme 2023. Collection method: clinical testing. Allele origin: germline.

Labcorp Genetics (formerly Invitae), Labcorp
Classification: Uncertain significance. Last evaluated: 2022-05-06. Review status: criteria provided, single submitter. Criteria: Invitae Variant Classification Sherloc (09022015). Collection method: clinical testing. Allele origin: germline.
Comment: In summary, the available evidence is currently insufficient to determine the role of this variant in disease. Therefore, it has been classified as a Variant of Uncertain Significance. Algorithms developed to predict the effect of missense changes on protein structure and function are either unavailable or do not agree on the potential impact of this missense change (SIFT: "Deleterious"; PolyPhen-2: "Probably Damaging"; Align-GVGD: "Class C0"). ClinVar contains an entry for this variant (Variation ID: 906719). This variant has not been reported in the literature in individuals affected with SLC4A4-related conditions. This variant is present in population databases (rs748205618, gnomAD 0.009%). This sequence change replaces threonine, which is neutral and polar, with methionine, which is neutral and non-polar, at codon 66 of the SLC4A4 protein (p.Thr66Met).

Illumina Laboratory Services, Illumina
Classification: Uncertain significance for Autosomal recessive proximal renal tubular acidosis. Last evaluated: 2018-01-13. Review status: criteria provided, single submitter. Criteria: ICSL Variant Classification Criteria 13 December 2019. Collection method: clinical testing. Allele origin: germline.